The following is an entry in ClinVar:

NM_004364.5(CEBPA):c.776C>T (p.Ala259Val)

Gene: CEBPA (CCAAT enhancer binding protein alpha; minus strand). Cytogenetic location: 19q13.11.
Variant type: single nucleotide variant.
Coding change: c.776C>T on transcript NM_004364.5 (MANE Select); coding-DNA position 776, C replaced by T.
Protein change: p.Ala259Val; replaces alanine 259 with valine.
Molecular consequence: missense variant.
Genome position (GRCh38, 1-based): chr19:33,301,639, G>A on the plus strand (C>T on the coding strand, the complement: CEBPA is on the minus strand). VCF-style: chr19-33301639-G-A. GRCh37 (hg19) VCF-style: chr19-33792545-G-A.
Other names: c.419C>T, p.Ala140Val (NM_001285829.2); c.881C>T, p.Ala294Val (NM_001287424.2); c.734C>T, p.Ala245Val (NM_001287435.2); c.776C>T (NM_004364.3); short protein forms A259V, A294V, A140V, A245V.
Identifiers: ClinVar variation 434684 (VCV000434684.13), dbSNP rs746895795, ClinGen allele CA9363696.

ClinVar aggregate classification (germline): Conflicting classifications of pathogenicity. Review status: criteria provided, conflicting classifications (1 of 4 stars). 3 submissions from 3 submitters: Uncertain significance (2); Likely benign (1). Last evaluated 2025-04-23.

Conditions:
Inborn genetic diseases. Identifiers: MedGen C0950123, MeSH D030342.
Acute myeloid leukemia (AML). Also called: Leukemia, acute myeloid, somatic; Leukemia, acute myelogenous, somatic; Acute myeloid leukemia, adult; AML adult; Acute non-lymphocytic leukemia; Acute granulocytic leukemia. Identifiers: Orphanet 519, MedGen C0023467, MeSH D015470, MONDO:0018874, OMIM 601626, HP:0004808. Disease mechanism: Constitutively activated FLT3.

Allele frequency attached by ClinVar (database versions not stated): ExAC below 0.00001; gnomAD exomes 0.00001.
gnomAD v4.1: 4 of 1,551,252 alleles (0.00026%); highest among the groups gnomAD compares: East Asian, 0.0024%; no homozygotes.

Submissions (3):

Ambry Genetics
Classification: Likely benign for Inborn genetic diseases. Last evaluated: 2025-04-23. Review status: criteria provided, single submitter. Criteria: Ambry Variant Classification Scheme 2023. Collection method: clinical testing. Allele origin: germline.

Labcorp Genetics (formerly Invitae), Labcorp
Classification: Uncertain significance for Acute myeloid leukemia. Last evaluated: 2024-04-13. Review status: criteria provided, single submitter. Criteria: Invitae Variant Classification Sherloc (09022015). Collection method: clinical testing. Allele origin: germline.
Comment: This sequence change replaces alanine, which is neutral and non-polar, with valine, which is neutral and non-polar, at codon 259 of the CEBPA protein (p.Ala259Val). This variant is present in population databases (rs746895795, gnomAD 0.004%). This variant has not been reported in the literature in individuals affected with CEBPA-related conditions. ClinVar contains an entry for this variant (Variation ID: 434684). An algorithm developed to predict the effect of missense changes on protein structure and function (PolyPhen-2) suggests that this variant is likely to be tolerated. In summary, the available evidence is currently insufficient to determine the role of this variant in disease. Therefore, it has been classified as a Variant of Uncertain Significance.

Genetic Services Laboratory, University of Chicago
Classification: Uncertain significance. Last evaluated: 2017-01-12. Review status: criteria provided, single submitter. Criteria: ACMG Guidelines, 2015. Collection method: clinical testing. Allele origin: germline. Affected: no.